The following is an entry in ClinVar:

NM_000080.4(CHRNE):c.1379G>A (p.Trp460Ter)

Gene: CHRNE (cholinergic receptor nicotinic epsilon subunit; minus strand). Cytogenetic location: 17p13.2.
Variant type: single nucleotide variant.
Coding change: c.1379G>A on transcript NM_000080.4 (MANE Select); coding-DNA position 1379, G replaced by A.
Protein change: p.Trp460Ter; replaces tryptophan 460 with a stop codon.
Molecular consequence: nonsense.
Genome position (GRCh38, 1-based): chr17:4,898,839, C>T on the plus strand (G>A on the coding strand, the complement: CHRNE is on the minus strand). VCF-style: chr17-4898839-C-T. GRCh37 (hg19) VCF-style: chr17-4802134-C-T.
Other names: short protein forms W460*.
Identifiers: ClinVar variation 3011421 (VCV003011421.4), dbSNP rs1157836847, ClinGen allele CA397297695.

ClinVar aggregate classification (germline): Pathogenic/Likely pathogenic. Review status: criteria provided, multiple submitters, no conflicts (2 of 4 stars). 2 submissions from 2 submitters: Pathogenic (1); Likely pathogenic (1). Last evaluated 2025-08-21.

Conditions:
Congenital myasthenic syndrome 4A. Also called: Myasthenic syndrome, congenital, 4a, slow-channel; CONGENITAL MYASTHENIC SYNDROME TYPE Ia1; MYASTHENIC SYNDROME, CONGENITAL, 4A, SLOW-CHANNEL, AUTOSOMAL RECESSIVE. Identifiers: Orphanet 590, MedGen C4225413, MONDO:0011600, OMIM 605809.
Congenital myasthenic syndrome 4B. Also called: Myasthenic syndrome, congenital, 4b, fast-channel. Identifiers: Orphanet 590, MedGen C4225369, MONDO:0014586, OMIM 616324.
Congenital myasthenic syndrome 4C (CMS4C). Also called: Myasthenic syndrome, congenital, associated with acetylcholine receptor deficiency. Identifiers: Orphanet 590, MedGen C1837091, MONDO:0012157, OMIM 608931.

Allele frequency attached by ClinVar (database versions not stated): gnomAD exomes below 0.00001.
gnomAD v4.1: 1 of 1,596,094 alleles (0.000063%); highest among the groups gnomAD compares: Non-Finnish European, 0.000085%; no homozygotes.

Submissions (2):

Labcorp Genetics (formerly Invitae), Labcorp
Classification: Pathogenic for Congenital myasthenic syndrome 4A. Last evaluated: 2025-08-21. Review status: criteria provided, single submitter. Criteria: Invitae Variant Classification Sherloc (09022015). Collection method: clinical testing. Allele origin: germline.
Comment: This sequence change creates a premature translational stop signal (p.Trp460*) in the CHRNE gene. While this is not anticipated to result in nonsense mediated decay, it is expected to disrupt the last 34 amino acid(s) of the CHRNE protein. This variant is not present in population databases (gnomAD no frequency). This variant has not been reported in the literature in individuals affected with CHRNE-related conditions. ClinVar contains an entry for this variant (Variation ID: 3011421). Algorithms developed to predict the effect of sequence changes on RNA splicing suggest that this variant may disrupt the consensus splice site. This variant disrupts a region of the CHRNE protein in which other variant(s) (p.Tyr478*) have been determined to be pathogenic (PMID: 12417530). This suggests that this is a clinically significant region of the protein, and that variants that disrupt it are likely to be disease-causing. For these reasons, this variant has been classified as Pathogenic.

Fulgent Genetics
Classification: Likely pathogenic for Congenital myasthenic syndrome 4A; Congenital myasthenic syndrome 4C; Congenital myasthenic syndrome 4B. Last evaluated: 2024-04-25. Review status: criteria provided, single submitter. Criteria: ACMG Guidelines, 2015. Collection method: clinical testing. Allele origin: germline.

Literature cited by the submitters: PubMed 12417530 (cited by Labcorp Genetics (formerly Invitae), Labcorp).